The following is an entry in ClinVar:

ClinVar aggregate classification (germline): Likely pathogenic. Review status: criteria provided, multiple submitters, no conflicts (2 of 4 stars). 3 submissions from 3 submitters: Likely pathogenic (3). Last evaluated 2025-01-21.

Conditions:
Lamellar ichthyosis. Identifiers: Orphanet 313, MedGen C5848247, MONDO:0017778.
Autosomal recessive congenital ichthyosis 4B (ARCI4B). Also called: HARLEQUIN ICHTHYOSIS; Harlequin Fetus; ICHTHYOSIS CONGENITA, HARLEQUIN FETUS TYPE; Ichthyosis, congenital, autosomal recessive 4B (harlequin). Identifiers: Orphanet 457, MedGen C0598226, MONDO:0009443, OMIM 242500.

Allele frequency attached by ClinVar (database versions not stated): TOPMed below 0.00001; ExAC 0.00001.
gnomAD v4.1: 6 of 1,613,612 alleles (0.00037%); highest among the groups gnomAD compares: East Asian, 0.0022%; no homozygotes.

Submissions (3):

Women's Health and Genetics/Laboratory Corporation of America, LabCorp
Classification: Likely pathogenic for Lamellar ichthyosis. Last evaluated: 2025-01-21. Review status: criteria provided, single submitter. Criteria: LabCorp Variant Classification Summary - May 2015. Collection method: clinical testing. Allele origin: germline.
Comment: Variant summary: ABCA12 c.7277G>A (p.Arg2426Gln) results in a conservative amino acid change located in the ATP-binding cassette, ABC transporter-type domain of the encoded protein sequence. Four of five in-silico tools predict a damaging effect of the variant on protein function. The variant allele was found at a frequency of 4e-06 in 250886 control chromosomes. c.7277G>A has been reported in the literature in individuals affected with Lamellar Ichthyosis (examples: Youssefian_2019, Hotz_2023). These data indicate that the variant is likely to be associated with disease. The following publications have been ascertained in the context of this evaluation (PMID: 30578701, 36980989). ClinVar contains an entry for this variant (Variation ID: 633801). Based on the evidence outlined above, the variant was classified as likely pathogenic.

Labcorp Genetics (formerly Invitae), Labcorp
Classification: Likely pathogenic. Last evaluated: 2023-10-11. Review status: criteria provided, single submitter. Criteria: Invitae Variant Classification Sherloc (09022015). Collection method: clinical testing. Allele origin: germline.
Comment: This sequence change replaces arginine, which is basic and polar, with glutamine, which is neutral and polar, at codon 2426 of the ABCA12 protein (p.Arg2426Gln). This variant is present in population databases (rs761068277, gnomAD 0.0009%). This missense change has been observed in individual(s) with ABCA12-related conditions (PMID: 30578701, 36980989). ClinVar contains an entry for this variant (Variation ID: 633801). Advanced modeling of protein sequence and biophysical properties (such as structural, functional, and spatial information, amino acid conservation, physicochemical variation, residue mobility, and thermodynamic stability) has been performed at Invitae for this missense variant, however the output from this modeling did not meet the statistical confidence thresholds required to predict the impact of this variant on ABCA12 protein function. This variant disrupts the p.Arg2426 amino acid residue in ABCA12. Other variant(s) that disrupt this residue have been determined to be pathogenic (PMID: 30578701). This suggests that this residue is clinically significant, and that variants that disrupt this residue are likely to be disease-causing. In summary, the currently available evidence indicates that the variant is pathogenic, but additional data are needed to prove that conclusively. Therefore, this variant has been classified as Likely Pathogenic.

Uitto Lab, Thomas Jefferson University
Classification: Likely pathogenic for Harlequin fetus. Last evaluated: 2018-06-08. Review status: criteria provided, single submitter. Criteria: ACMG Guidelines, 2015. Collection method: clinical testing. Allele origin: germline. Affected: yes. Study: Rare heritable connective tissue and skin disorders in Iranian cohort.

Literature cited by the submitters: PubMed 30578701 (cited by Women's Health and Genetics/Laboratory Corporation of America, LabCorp and Labcorp Genetics (formerly Invitae), Labcorp); PubMed 36980989 (cited by Women's Health and Genetics/Laboratory Corporation of America, LabCorp and Labcorp Genetics (formerly Invitae), Labcorp).

NM_173076.3(ABCA12):c.7277G>A (p.Arg2426Gln)

Genes: ABCA12 (ATP binding cassette subfamily A member 12; minus strand), SNHG31 (small nucleolar RNA host gene 31; plus strand). Cytogenetic location: 2q35.
Variant type: single nucleotide variant.
Coding change: c.7277G>A on transcript NM_173076.3 (MANE Select); coding-DNA position 7277, G replaced by A.
Protein change: p.Arg2426Gln; replaces arginine 2426 with glutamine.
Molecular consequence: missense variant. On other transcripts: non-coding transcript variant (1).
Genome position (GRCh38, 1-based): chr2:214,945,067, C>T on the plus strand (G>A on the coding strand, the complement: ABCA12 is on the minus strand). VCF-style: chr2-214945067-C-T. GRCh37 (hg19) VCF-style: chr2-215809791-C-T.
Other names: c.6323G>A, p.Arg2108Gln (NM_015657.4); short protein forms R2426Q, R2108Q.
Identifiers: ClinVar variation 633801 (VCV000633801.6), dbSNP rs761068277, ClinGen allele CA2090692.